The following is an entry in ClinVar:

NM_020975.6(RET):c.650C>A (p.Ala217Asp)

Gene: RET (ret proto-oncogene; plus strand). Cytogenetic location: 10q11.21.
Variant type: single nucleotide variant.
Coding change: c.650C>A on transcript NM_020975.6 (MANE Select); coding-DNA position 650, C replaced by A.
Protein change: p.Ala217Asp; replaces alanine 217 with aspartic acid.
Molecular consequence: missense variant.
Genome position (GRCh38, 1-based): chr10:43,104,976, C>A. VCF-style: chr10-43104976-C-A. GRCh37 (hg19) VCF-style: chr10-43600424-C-A.
Other names: c.521C>A, p.Ala174Asp (NM_001406761.1, NM_001406762.1, NM_001406764.1 and 2 more transcripts); c.650C>A, p.Ala217Asp (NM_001406763.1, NM_001406765.1, NM_001406769.1 and 8 more transcripts); c.362C>A, p.Ala121Asp (NM_001406766.1, NM_001406767.1, NM_001406770.1); c.-113C>A (NM_001355216.2); short protein forms A217D, A174D, A121D.
Identifiers: ClinVar variation 405525 (VCV000405525.23), dbSNP rs1060500754, ClinGen allele CA16612872.

ClinVar aggregate classification (germline): Conflicting classifications of pathogenicity. Review status: criteria provided, conflicting classifications (1 of 4 stars). 6 submissions from 6 submitters: Uncertain significance (5); Likely benign (1). Last evaluated 2025-12-28.

Conditions:
Hirschsprung disease, susceptibility to, 1 (HSCR1). Also called: RET-Related Hirschsprung Disease. Identifiers: Orphanet 388, MedGen C3888239, MONDO:0007723, OMIM 142623.
Multiple endocrine neoplasia type 2B. Also called: WAGENMANN-FROBOESE SYNDROME; MULTIPLE ENDOCRINE NEOPLASIA, TYPE III; MULTIPLE ENDOCRINE NEOPLASIA, TYPE IIB; MEN IIB; NEUROMATA, MUCOSAL, WITH ENDOCRINE TUMORS; MEN 2B. Identifiers: Orphanet 247709, Orphanet 653, MedGen C0025269, MeSH D018814, MONDO:0008082, OMIM 162300.
Pheochromocytoma. Also called: MAX-Related Hereditary Paraganglioma-Pheochromocytoma Syndrome. Identifiers: Orphanet 29072, MedGen C0031511, MONDO:0008233, OMIM 171300, HP:0002666.
Familial medullary thyroid carcinoma (MTC). Also called: Thyroid cancer, familial medullary; MTC, familial; Familial Medullary Thyroid Carcinoma (FMTC). Identifiers: Orphanet 653, Orphanet 99361, MedGen C1833921, MONDO:0007958, OMIM 155240.
Multiple endocrine neoplasia type 2A. Also called: Multiple Endocrine Neoplasia Type 2A (MEN2A); MULTIPLE ENDOCRINE NEOPLASIA, TYPE IIA; PTC SYNDROME; SIPPLE SYNDROME; MEN 2A; MEN-2A syndrome. Identifiers: Orphanet 247698, Orphanet 653, MedGen C0025268, MeSH D018813, MONDO:0008234, OMIM 171400.
Hereditary cancer-predisposing syndrome. Also called: Tumor predisposition; Hereditary Cancer Syndrome; Hereditary neoplastic syndrome; Neoplastic Syndromes, Hereditary. Identifiers: Orphanet 140162, MedGen C0027672, MeSH D009386, MONDO:0015356.
RET-related disorder. Also called: RET-related condition; RET-related disease; RET-related disorders.
Multiple endocrine neoplasia, type 2 (MEN2). Identifiers: Orphanet 653, MedGen C4048306, MONDO:0019003. Disease mechanism: gain of function.

gnomAD v4.1: 2 of 1,575,602 alleles (0.00013%); highest among the groups gnomAD compares: Non-Finnish European, 0.000086%; no homozygotes.

Submissions (6):

Labcorp Genetics (formerly Invitae), Labcorp
Classification: Uncertain significance for Multiple endocrine neoplasia, type 2. Last evaluated: 2025-12-28. Review status: criteria provided, single submitter. Criteria: Invitae Variant Classification Sherloc (09022015). Collection method: clinical testing. Allele origin: germline.
Comment: This sequence change replaces alanine, which is neutral and non-polar, with aspartic acid, which is acidic and polar, at codon 217 of the RET protein (p.Ala217Asp). This variant is not present in population databases (gnomAD no frequency). This variant has not been reported in the literature in individuals affected with RET-related conditions. ClinVar contains an entry for this variant (Variation ID: 405525). An algorithm developed to predict the effect of missense changes on protein structure and function outputs the following: PolyPhen-2: "Benign". The aspartic acid amino acid residue is found in multiple mammalian species, which suggests that this missense change does not adversely affect protein function. In summary, the available evidence is currently insufficient to determine the role of this variant in disease. Therefore, it has been classified as a Variant of Uncertain Significance.

Ambry Genetics
Classification: Likely benign for Hereditary cancer-predisposing syndrome. Last evaluated: 2024-11-21. Review status: criteria provided, single submitter. Criteria: Ambry Variant Classification Scheme 2023. Collection method: clinical testing. Allele origin: germline.

PreventionGenetics, part of Exact Sciences
Classification: Uncertain significance for RET-related condition. Last evaluated: 2023-07-29. Review status: criteria provided, single submitter. Criteria: ACMG Guidelines, 2015. Collection method: clinical testing. Allele origin: germline.
Comment: The RET c.650C>A variant is predicted to result in the amino acid substitution p.Ala217Asp. To our knowledge, this variant has not been reported in the literature or in a large population database, indicating this variant is rare. This variant is interpreted as a variant of uncertain significance in ClinVar. At this time, the clinical significance of this variant is uncertain due to the absence of conclusive functional and genetic evidence.

Fulgent Genetics
Classification: Uncertain significance for Hirschsprung disease, susceptibility to, 1; Familial medullary thyroid carcinoma; Multiple endocrine neoplasia type 2B; Pheochromocytoma; Multiple endocrine neoplasia type 2A. Last evaluated: 2021-10-27. Review status: criteria provided, single submitter. Criteria: ACMG Guidelines, 2015. Collection method: clinical testing. Allele origin: unknown.

St. Jude Molecular Pathology, St. Jude Children's Research Hospital
Classification: Uncertain significance for Multiple endocrine neoplasia, type 2. Last evaluated: 2021-05-13. Review status: criteria provided, single submitter. Criteria: St. Jude Assertion Criteria 2020. Collection method: clinical testing. Allele origin: germline.
Comment: The RET c.650C>A (p.Ala217Asp) missense change is absent in gnomAD v2.1.1 and v3.1.1 (PM2_supporting). Seven of seven in silico tools predict a benign effect of this variant on protein function (BP4), but to our knowledge these predictions have not been confirmed by functional assays. To our knowledge, this variant has not been reported in the literature in individuals with MEN2. In summary, this variant meets criteria to be classified as of uncertain significance based on the ACMG/AMP criteria: PM2_supporting, BP4.

GeneDx
Classification: Uncertain significance. Last evaluated: 2019-01-29. Review status: criteria provided, single submitter. Criteria: GeneDx Variant Classification Process June 2021. Collection method: clinical testing. Allele origin: germline. Affected: yes.
Comment: Not observed in large population cohorts (Lek et al., 2016); In silico analysis, which includes protein predictors and evolutionary conservation, supports that this variant does not alter protein structure/function; Has not been previously published as pathogenic or benign to our knowledge